The following is an entry in ClinVar:

ClinVar aggregate classification (germline): Pathogenic (1 of 4 stars; one submission).

Conditions:
Muscular dystrophy-dystroglycanopathy type B6 (MDDGB6). Also called: MUSCULAR DYSTROPHY-DYSTROGLYCANOPATHY (CONGENITAL WITH IMPAIRED INTELLECTUAL DEVELOPMENT), TYPE B, 6; MUSCULAR DYSTROPHY, CONGENITAL, LARGE-RELATED; MUSCULAR DYSTROPHY, CONGENITAL, TYPE 1D. Identifiers: MedGen C1837229, MONDO:0012138, OMIM 608840.

Allele frequency attached by ClinVar (database versions not stated): TOPMed below 0.00001.

Submission:

Labcorp Genetics (formerly Invitae), Labcorp
Classification: Pathogenic for Muscular dystrophy-dystroglycanopathy type B6. Last evaluated: 2023-11-17. Review status: criteria provided, single submitter. Criteria: Invitae Variant Classification Sherloc (09022015). Collection method: clinical testing. Allele origin: germline.
Comment: This sequence change creates a premature translational stop signal (p.Trp316Argfs*5) in the LARGE1 gene. It is expected to result in an absent or disrupted protein product. Loss-of-function variants in LARGE1 are known to be pathogenic (PMID: 12966029, 17878207). This variant is not present in population databases (gnomAD no frequency). This variant has not been reported in the literature in individuals affected with LARGE1-related conditions. For these reasons, this variant has been classified as Pathogenic.

Literature cited by the submitters: PubMed 12966029; PubMed 17878207.

NM_133642.5(LARGE1):c.941_945dup (p.Trp316fs)

Gene: LARGE1 (LARGE xylosyl- and glucuronyltransferase 1; minus strand). Cytogenetic location: 22q12.3.
Variant type: Duplication.
Coding change: c.941_945dup on transcript NM_133642.5 (MANE Select); coding-DNA positions 941 to 945, 5 bases duplicated (AGATG; older notation c.941_945dupAGATG).
Protein change: p.Trp316fs; shifts the reading frame from tryptophan 316.
Molecular consequence: frameshift variant.
Genome position (GRCh38, 1-based): chr22:33,384,252-33,384,256, CATCT duplicated on the plus strand (AGATG on the coding strand, the reverse complement: LARGE1 is on the minus strand). VCF-style (leftmost placement, unchanged base first): chr22-33384251-A-ACATCT. GRCh37 (hg19) VCF-style: chr22-33780237-A-ACATCT.
Other names: c.941_945dup, p.Trp316fs (NM_001362949.2, NM_001362951.2, NM_001362953.2 and 7 more transcripts); c.338_342dup, p.Trp115fs (NM_001378630.1, NM_001378631.1); short protein forms W115fs, W316fs.
Identifiers: ClinVar variation 2696612 (VCV002696612.3), dbSNP rs2065252717, ClinGen allele CA2402395549.
Genomic context (GRCh38, chr22:33,384,251, plus strand): 5'-CCTGGTCAGCTAAGGATGTAGAGAGCATGCCCATGAGCTCCCTCTCTGCGGTCAGCCTCC[A>ACATCT]CATCTGCTCCCATTTCATCTTCCGCAGCTTATCCAGAAGTAACAGGATCACCCCTGGGCA-3'